The following is an entry in ClinVar:

NC_000016.9:g.(?_47581324)_(47581479_?)del

Gene: PHKB (phosphorylase kinase regulatory subunit beta; plus strand). Cytogenetic location: 16q12.1.
Variant type: Deletion.
Identifiers: ClinVar variation 3243376 (VCV003243376.1).

ClinVar aggregate classification (germline): Pathogenic (1 of 4 stars; one submission).

Conditions:
Glycogen storage disease IXb (GSD9B). Also called: GLYCOGENOSIS OF LIVER AND MUSCLE, AUTOSOMAL RECESSIVE; GSD IXb; PHOSPHORYLASE KINASE DEFICIENCY OF LIVER AND MUSCLE, AUTOSOMAL RECESSIVE. Identifiers: Orphanet 79240, MedGen C0543514, MONDO:0009868, OMIM 261750.

Submission:

Labcorp Genetics (formerly Invitae), Labcorp
Classification: Pathogenic for Glycogen storage disease IXb. Last evaluated: 2023-01-17. Review status: criteria provided, single submitter. Criteria: Invitae Variant Classification Sherloc (09022015). Collection method: clinical testing. Allele origin: unknown.
Comment: For these reasons, this variant has been classified as Pathogenic. This variant has not been reported in the literature in individuals affected with PHKB-related conditions. This variant is a gross deletion of the genomic region encompassing exon(s) 7 of the PHKB gene. This deletion is out-of-frame, and is expected to create a premature termination codon and result in an absent or disrupted protein product. Loss-of-function variants in PHKB are known to be pathogenic (PMID: 9215682, 9326319).

Literature cited by the submitters: PubMed 9215682; PubMed 9326319.